The following is an entry in ClinVar:

ClinVar aggregate classification (germline): Benign. Review status: criteria provided, multiple submitters, no conflicts (2 of 4 stars). 2 submissions from 2 submitters: Benign (2). Last evaluated 2018-06-16.

Allele frequency attached by ClinVar (database versions not stated): gnomAD exomes 0.03305; gnomAD 0.07260 and 0.06652; TOPMed 0.07559; 1000 Genomes Project 30x 0.16490; 1000 Genomes Project 0.17212.

Submissions (2):

GeneDx
Classification: Benign. Last evaluated: 2018-06-16. Review status: criteria provided, single submitter. Criteria: GeneDx Variant Classification (06012015). Collection method: clinical testing. Allele origin: germline. Affected: yes.
Comment: This variant is considered likely benign or benign based on one or more of the following criteria: it is a conservative change, it occurs at a poorly conserved position in the protein, it is predicted to be benign by multiple in silico algorithms, and/or has population frequency not consistent with disease.

Breakthrough Genomics
Classification: Benign. Review status: criteria provided, single submitter. Criteria: ACMG Guidelines, 2015. Collection method: not provided. Allele origin: germline. Inheritance: Autosomal recessive inheritance. Affected: yes.

NM_001171155.1(PET100):c.-58T>C

Gene: PET100 (PET100 cytochrome c oxidase chaperone; plus strand). Cytogenetic location: 19p13.2.
Variant type: single nucleotide variant.
Coding change: c.-58T>C on transcript NM_001171155.1; 58 bases upstream of the start codon, T replaced by C.
Genome position (GRCh38, 1-based): chr19:7,629,776, T>C. VCF-style: chr19-7629776-T-C. GRCh37 (hg19) VCF-style: chr19-7694662-T-C.
Identifiers: ClinVar variation 676762 (VCV000676762.4), dbSNP rs3760675, ClinGen allele CA16567438.